The following is an entry in ClinVar:

ClinVar aggregate classification (germline): Pathogenic (1 of 4 stars; one submission).

Conditions:
Neurofibromatosis, type 1 (NF1). Also called: NEUROFIBROMATOSIS, TYPE I, SOMATIC; Peripheral type neurofibromatosis; Neurofibromatosis, type I; VON RECKLINGHAUSEN DISEASE. Identifiers: Orphanet 636, MedGen C0027831, MONDO:0018975, OMIM 162200. Disease mechanism: loss of function.

Submission:

Labcorp Genetics (formerly Invitae), Labcorp
Classification: Pathogenic for Neurofibromatosis, type 1. Last evaluated: 2025-01-01. Review status: criteria provided, single submitter. Criteria: Invitae Variant Classification Sherloc (09022015). Collection method: clinical testing. Allele origin: germline.
Comment: This sequence change creates a premature translational stop signal (p.Leu508Alafs*3) in the NF1 gene. It is expected to result in an absent or disrupted protein product. Loss-of-function variants in NF1 are known to be pathogenic (PMID: 10712197, 23913538). This variant is not present in population databases (gnomAD no frequency). This premature translational stop signal has been observed in individual(s) with neurofibromatosis type 1 (PMID: 28068329). For these reasons, this variant has been classified as Pathogenic.

Literature cited by the submitters: PubMed 10712197; PubMed 23913538; PubMed 28068329.

NM_001042492.3(NF1):c.1517dup (p.Leu508fs)

Gene: NF1 (neurofibromin 1; plus strand). Cytogenetic location: 17q11.2.
Variant type: Duplication.
Coding change: c.1517dup on transcript NM_001042492.3 (MANE Select); coding-DNA position 1517, one base duplicated (T; older notation c.1517dupT).
Protein change: p.Leu508fs; shifts the reading frame from leucine 508.
Molecular consequence: frameshift variant.
Genome position (GRCh38, 1-based): chr17:31,214,575, T duplicated. VCF-style (leftmost placement, unchanged base first): chr17-31214574-C-CT. GRCh37 (hg19) VCF-style: chr17-29541592-C-CT.
Other names: c.1517dup, p.Leu508Alafs (NM_000267.4); c.1517dup, p.Leu508fs (NM_001128147.3); short protein forms L508fs.
Identifiers: ClinVar variation 3728421 (VCV003728421.2).
Genomic context (GRCh38, chr17:31,214,574, plus strand): 5'-ACAAGAAGCTATAAGTATCTTCTCTTGTCCATGGTGAAACTAATTCATGCAGATCCAAAG[C>CT]TCTTGCTTTGTGTAAGTATTTTTTTATGAAATGTCTCAAAATTATCACACTAAGTTAATT-3'